The following is an entry in ClinVar:

NM_004409.5(DMPK):c.161-5C>G

Gene: DMPK (DM1 protein kinase; minus strand). Cytogenetic location: 19q13.32.
Variant type: single nucleotide variant.
Coding change: c.161-5C>G on transcript NM_004409.5 (MANE Select); 5 bases into the intron before coding-DNA position 161, C replaced by G.
Molecular consequence: intron variant. On other transcripts: synonymous variant (1).
Genome position (GRCh38, 1-based): chr19:45,779,874, G>C on the plus strand (C>G on the coding strand, the complement: DMPK is on the minus strand). VCF-style: chr19-45779874-G-C. GRCh37 (hg19) VCF-style: chr19-46283132-G-C.
Other names: c.186C>G, p.Pro62= (NM_001081563.3); c.-330-5C>G (NM_001424166.1); c.161-5C>G (NM_001288766.2, NM_001424169.1, NM_001081562.3 and 5 more transcripts); c.239-5C>G (NM_001424163.1, NM_001288764.2).
Identifiers: ClinVar variation 3053326 (VCV003053326.2), dbSNP rs1349414063, ClinGen allele CA507963797.

ClinVar aggregate classification (germline): Likely benign (0 of 4 stars; one submission).

Conditions:
DMPK-related disorder. Also called: DMPK-related condition.

gnomAD v4.1: 2 of 1,613,522 alleles (0.00012%); highest among the groups gnomAD compares: Non-Finnish European, 0.00017%; no homozygotes.

Submission:

PreventionGenetics, part of Exact Sciences
Classification: Likely benign for DMPK-related condition. Last evaluated: 2019-09-05. Review status: no assertion criteria provided. Collection method: clinical testing. Allele origin: germline.
Comment: This variant is classified as likely benign based on ACMG/AMP sequence variant interpretation guidelines (Richards et al. 2015 PMID: 25741868, with internal and published modifications).